The following is an entry in ClinVar:

NM_007254.4(PNKP):c.637C>T (p.Leu213=)

Gene: PNKP (polynucleotide kinase 3'-phosphatase; minus strand). Cytogenetic location: 19q13.33.
Variant type: single nucleotide variant.
Coding change: c.637C>T on transcript NM_007254.4 (MANE Select); coding-DNA position 637, C replaced by T.
Protein change: p.Leu213=; no amino-acid change (leucine 213 retained).
Molecular consequence: synonymous variant.
Genome position (GRCh38, 1-based): chr19:49,864,071, G>A on the plus strand (C>T on the coding strand, the complement: PNKP is on the minus strand). VCF-style: chr19-49864071-G-A. GRCh37 (hg19) VCF-style: chr19-50367328-G-A.
Other names: c.637C>T (NM_007254.3).
Identifiers: ClinVar variation 1056856 (VCV001056856.10), dbSNP rs770006231, ClinGen allele CA309496792.

ClinVar aggregate classification (germline): Conflicting classifications of pathogenicity. Review status: criteria provided, conflicting classifications (1 of 4 stars). 2 submissions from 2 submitters: Uncertain significance (1); Likely benign (1). Last evaluated 2025-08-09.

Conditions:
Inborn genetic diseases. Identifiers: MedGen C0950123, MeSH D030342.
Developmental and epileptic encephalopathy, 12 (DEE12). Identifiers: MedGen C3150988, MONDO:0013389, OMIM 613722.

Allele frequency attached by ClinVar (database versions not stated): TOPMed below 0.00001; gnomAD 0.00001; gnomAD exomes 0.00001.
gnomAD v4.1: 11 of 1,613,452 alleles (0.00068%); highest among the groups gnomAD compares: African/African-American, 0.0013%; no homozygotes.

Submissions (2):

Ambry Genetics
Classification: Likely benign for Inborn genetic diseases. Last evaluated: 2025-08-09. Review status: criteria provided, single submitter. Criteria: Ambry Variant Classification Scheme 2023. Collection method: clinical testing. Allele origin: germline.

Labcorp Genetics (formerly Invitae), Labcorp
Classification: Uncertain significance for Developmental and epileptic encephalopathy, 12. Last evaluated: 2023-12-11. Review status: criteria provided, single submitter. Criteria: Invitae Variant Classification Sherloc (09022015). Collection method: clinical testing. Allele origin: germline.
Comment: This sequence change affects codon 213 of the PNKP mRNA. It is a 'silent' change, meaning that it does not change the encoded amino acid sequence of the PNKP protein. It affects a nucleotide within the consensus splice site. This variant is present in population databases (rs770006231, gnomAD 0.0009%). This variant has not been reported in the literature in individuals affected with PNKP-related conditions. ClinVar contains an entry for this variant (Variation ID: 1056856). Algorithms developed to predict the effect of sequence changes on RNA splicing suggest that this variant is not likely to affect RNA splicing. In summary, the available evidence is currently insufficient to determine the role of this variant in disease. Therefore, it has been classified as a Variant of Uncertain Significance.